The following is an entry in ClinVar:

ClinVar aggregate classification (germline): Uncertain significance (1 of 4 stars; one submission).

Submission:

Labcorp Genetics (formerly Invitae), Labcorp
Classification: Uncertain significance. Last evaluated: 2021-05-28. Review status: criteria provided, single submitter. Criteria: Invitae Variant Classification Sherloc (09022015). Collection method: clinical testing. Allele origin: germline.
Comment: In summary, the available evidence is currently insufficient to determine the role of this variant in disease. Therefore, it has been classified as a Variant of Uncertain Significance. Algorithms developed to predict the effect of missense changes on protein structure and function are either unavailable or do not agree on the potential impact of this missense change (SIFT: "Deleterious"; PolyPhen-2: "Possibly Damaging"; Align-GVGD: "Class C15"). This variant has not been reported in the literature in individuals with CHD3-related conditions. This variant is not present in population databases (ExAC no frequency). This sequence change replaces asparagine with aspartic acid at codon 959 of the CHD3 protein (p.Asn959Asp). The asparagine residue is highly conserved and there is a small physicochemical difference between asparagine and aspartic acid.

NM_001005273.3(CHD3):c.2698A>G (p.Asn900Asp)

Gene: CHD3 (chromodomain helicase DNA binding protein 3; plus strand). Cytogenetic location: 17p13.1.
Variant type: single nucleotide variant.
Coding change: c.2698A>G on transcript NM_001005273.3 (MANE Select); coding-DNA position 2698, A replaced by G.
Protein change: p.Asn900Asp; replaces asparagine 900 with aspartic acid.
Molecular consequence: missense variant.
Genome position (GRCh38, 1-based): chr17:7,900,305, A>G. VCF-style: chr17-7900305-A-G. GRCh37 (hg19) VCF-style: chr17-7803623-A-G.
Other names: c.2875A>G, p.Asn959Asp (NM_001005271.3); c.2698A>G, p.Asn900Asp (NM_005852.4); short protein forms N959D, N900D.
Identifiers: ClinVar variation 1356914 (VCV001356914.6), dbSNP rs2151572474, ClinGen allele CA397940128.